The following is an entry in ClinVar:

NM_004366.6(CLCN2):c.8C>G (p.Ala3Gly)

Genes: CLCN2 (chloride voltage-gated channel 2; minus strand), LOC129938055 (ATAC-STARR-seq lymphoblastoid silent region 14964; plus strand). Cytogenetic location: 3q27.1.
Variant type: single nucleotide variant.
Coding change: c.8C>G on transcript NM_004366.6 (MANE Select); coding-DNA position 8, C replaced by G.
Protein change: p.Ala3Gly; replaces alanine 3 with glycine.
Molecular consequence: missense variant.
Genome position (GRCh38, 1-based): chr3:184,361,472, G>C on the plus strand (C>G on the coding strand, the complement: CLCN2 is on the minus strand). VCF-style: chr3-184361472-G-C. GRCh37 (hg19) VCF-style: chr3-184079260-G-C.
Other names: c.8C>G, p.Ala3Gly (NM_001171087.3, NM_001171088.3, NM_001171089.3); short protein forms A3G.
Identifiers: ClinVar variation 4801773 (VCV004801773.1).

ClinVar aggregate classification (germline): Uncertain significance (1 of 4 stars; one submission).

Submission:

Labcorp Genetics (formerly Invitae), Labcorp
Classification: Uncertain significance. Last evaluated: 2025-12-03. Review status: criteria provided, single submitter. Criteria: Invitae Variant Classification Sherloc (09022015). Collection method: clinical testing. Allele origin: germline.
Comment: This sequence change replaces alanine, which is neutral and non-polar, with glycine, which is neutral and non-polar, at codon 3 of the CLCN2 protein (p.Ala3Gly). This variant is not present in population databases (gnomAD no frequency). This variant has not been reported in the literature in individuals affected with CLCN2-related conditions. Invitae Evidence Modeling of protein sequence and biophysical properties (such as structural, functional, and spatial information, amino acid conservation, physicochemical variation, residue mobility, and thermodynamic stability) indicates that this missense variant is not expected to disrupt CLCN2 protein function with a negative predictive value of 95%. In summary, the available evidence is currently insufficient to determine the role of this variant in disease. Therefore, it has been classified as a Variant of Uncertain Significance.